The following is an entry in ClinVar:

NM_016507.4(CDK12):c.2657C>G (p.Ser886Cys)

Gene: CDK12 (cyclin dependent kinase 12; plus strand). Cytogenetic location: 17q12.
Variant type: single nucleotide variant.
Coding change: c.2657C>G on transcript NM_016507.4 (MANE Select); coding-DNA position 2657, C replaced by G.
Protein change: p.Ser886Cys; replaces serine 886 with cysteine.
Molecular consequence: missense variant.
Genome position (GRCh38, 1-based): chr17:39,509,752, C>G. VCF-style: chr17-39509752-C-G. GRCh37 (hg19) VCF-style: chr17-37666005-C-G.
Other names: c.2657C>G, p.Ser886Cys (NM_015083.4); short protein forms S886C.
Identifiers: ClinVar variation 5034103 (VCV005034103.1).

ClinVar aggregate classification (germline): Uncertain significance (1 of 4 stars; one submission).

Submission:

Ambry Genetics
Classification: Uncertain significance. Last evaluated: 2026-07-19. Review status: criteria provided, single submitter. Criteria: Ambry Variant Classification Scheme 2023. Collection method: clinical testing. Allele origin: germline.
Comment: The p.S886C variant (also known as c.2657C>G), located in coding exon 7 of the CDK12 gene, results from a C to G substitution at nucleotide position 2657. The serine at codon 886 is replaced by cysteine, an amino acid with dissimilar properties. This amino acid position is conserved. In addition, the in silico prediction for this alteration is inconclusive. Based on the available evidence, the clinical significance of this variant remains unclear.